The following is an entry in ClinVar:

NM_004667.6(HERC2):c.6815A>G (p.Asn2272Ser)

Gene: HERC2 (HECT and RLD domain containing E3 ubiquitin protein ligase 2; minus strand). Cytogenetic location: 15q13.1.
Variant type: single nucleotide variant.
Coding change: c.6815A>G on transcript NM_004667.6 (MANE Select); coding-DNA position 6815, A replaced by G.
Protein change: p.Asn2272Ser; replaces asparagine 2272 with serine.
Molecular consequence: missense variant.
Genome position (GRCh38, 1-based): chr15:28,212,555, T>C on the plus strand (A>G on the coding strand, the complement: HERC2 is on the minus strand). VCF-style: chr15-28212555-T-C. GRCh37 (hg19) VCF-style: chr15-28457701-T-C.
Other names: short protein forms N2272S.
Identifiers: ClinVar variation 3773956 (VCV003773956.1).
Genomic context (GRCh38, chr15:28,212,555, plus strand): 5'-CTTCCAGCGAGGTTCACCAACTGAGCCCAGACAGACAGCATGGGCTCTGTGAAGGGCAGG[T>C]TGTTCACATTAAAGGCCACGGCAGGGAGCTGGAGAGGACACAGAAGCTGTCAGAGTGTGG-3'
Protein context (NP_004658.3, residues 2262-2282): PLPAVAFNVN[Asn2272Ser]LPFTEPMLSV

ClinVar aggregate classification (germline): Uncertain significance (1 of 4 stars; one submission).

Submission:

GeneDx
Classification: Uncertain significance. Last evaluated: 2024-09-18. Review status: criteria provided, single submitter. Criteria: GeneDx Variant Classification Process June 2021. Collection method: clinical testing. Allele origin: germline. Affected: yes.
Comment: Not observed at significant frequency in large population cohorts (gnomAD); In silico analysis indicates that this missense variant does not alter protein structure/function; Has not been previously published as pathogenic or benign to our knowledge